The following is an entry in ClinVar:

NM_001130009.3(GEN1):c.2320G>C (p.Ala774Pro)

Gene: GEN1 (GEN1 Holliday junction 5' flap endonuclease; plus strand). Cytogenetic location: 2p24.2.
Variant type: single nucleotide variant.
Coding change: c.2320G>C on transcript NM_001130009.3 (MANE Select); coding-DNA position 2320, G replaced by C.
Protein change: p.Ala774Pro; replaces alanine 774 with proline.
Molecular consequence: missense variant.
Genome position (GRCh38, 1-based): chr2:17,781,532, G>C. VCF-style: chr2-17781532-G-C. GRCh37 (hg19) VCF-style: chr2-17962799-G-C.
Other names: c.2320G>C, p.Ala774Pro (NM_182625.5); short protein forms A774P.
Identifiers: ClinVar variation 3853537 (VCV003853537.1).

ClinVar aggregate classification (germline): Uncertain significance (1 of 4 stars; one submission).

gnomAD v4.1: 1 of 1,613,724 alleles (0.000062%); highest among the groups gnomAD compares: Admixed American, 0.0017%; no homozygotes.

Submission:

Ambry Genetics
Classification: Uncertain significance. Last evaluated: 2025-01-30. Review status: criteria provided, single submitter. Criteria: Ambry Variant Classification Scheme 2023. Collection method: clinical testing. Allele origin: germline.
Comment: The p.A774P variant (also known as c.2320G>C), located in coding exon 13 of the GEN1 gene, results from a G to C substitution at nucleotide position 2320. The alanine at codon 774 is replaced by proline, an amino acid with highly similar properties. This amino acid position is conserved. In addition, this alteration is predicted to be tolerated by in silico analysis. Based on the available evidence, the clinical significance of this variant remains unclear.